The following is an entry in ClinVar:

NM_001291867.2(NHS):c.2378del (p.Gly793fs)

Gene: NHS (NHS actin remodeling regulator; plus strand). Cytogenetic location: Xp22.13.
Variant type: Deletion.
Coding change: c.2378del on transcript NM_001291867.2 (MANE Select); coding-DNA position 2378, one base deleted (G; older notation c.2378delG).
Protein change: p.Gly793fs; shifts the reading frame from glycine 793.
Molecular consequence: frameshift variant.
Genome position (GRCh38, 1-based): chrX:17,726,484, G deleted; the last of 2 consecutive G bases (chrX:17,726,483-17,726,484); deleting either gives the same sequence. VCF-style (leftmost placement, unchanged base first): chrX-17726482-TG-T. GRCh37 (hg19) VCF-style: chrX-17744602-TG-T.
Other names: c.1847del, p.Gly616fs (NM_001136024.4); c.1784del, p.Gly595fs (NM_001291868.2); c.2039del, p.Gly680fs (NM_001440780.1); c.2315del, p.Gly772fs (NM_198270.4); short protein forms G595fs, G616fs, G680fs, G772fs, G793fs.
Identifiers: ClinVar variation 4857467 (VCV004857467.1).

ClinVar aggregate classification (germline): Pathogenic (1 of 4 stars; one submission).

Conditions:
Nance-Horan syndrome (NHS). Identifiers: Orphanet 627, MedGen C0796085, MONDO:0010545, OMIM 302350.

Submission:

Institute of Human Genetics, University of Leipzig Medical Center
Classification: Pathogenic for Nance-Horan syndrome. Last evaluated: 2026-04-23. Review status: criteria provided, single submitter. Criteria: ACMG Guidelines, 2015. Collection method: clinical testing. Allele origin: unknown. Inheritance: X-linked dominant inheritance. Affected: yes.
Comment: Criteria applied: PM2,PVS1